The following is an entry in ClinVar:

ClinVar aggregate classification (germline): Uncertain significance (1 of 4 stars; one submission).

Allele frequency attached by ClinVar (database versions not stated): TOPMed below 0.00001; ExAC 0.00001; gnomAD exomes 0.00001; gnomAD 0.00003.
gnomAD v4.1: 10 of 1,614,046 alleles (0.00062%); highest among the groups gnomAD compares: African/African-American, 0.0027%; no homozygotes.

Submission:

Labcorp Genetics (formerly Invitae), Labcorp
Classification: Uncertain significance. Last evaluated: 2022-11-22. Review status: criteria provided, single submitter. Criteria: Invitae Variant Classification Sherloc (09022015). Collection method: clinical testing. Allele origin: germline.
Comment: This sequence change replaces aspartic acid, which is acidic and polar, with asparagine, which is neutral and polar, at codon 983 of the LRP5 protein (p.Asp983Asn). In summary, the available evidence is currently insufficient to determine the role of this variant in disease. Therefore, it has been classified as a Variant of Uncertain Significance. Advanced modeling of protein sequence and biophysical properties (such as structural, functional, and spatial information, amino acid conservation, physicochemical variation, residue mobility, and thermodynamic stability) performed at Invitae indicates that this missense variant is not expected to disrupt LRP5 protein function. ClinVar contains an entry for this variant (Variation ID: 1476923). This variant has not been reported in the literature in individuals affected with LRP5-related conditions. This variant is present in population databases (rs776844865, gnomAD 0.004%).

NM_002335.4(LRP5):c.2947G>A (p.Asp983Asn)

Gene: LRP5 (LDL receptor related protein 5; plus strand). Cytogenetic location: 11q13.2.
Variant type: single nucleotide variant.
Coding change: c.2947G>A on transcript NM_002335.4 (MANE Select); coding-DNA position 2947, G replaced by A.
Protein change: p.Asp983Asn; replaces aspartic acid 983 with asparagine.
Molecular consequence: missense variant.
Genome position (GRCh38, 1-based): chr11:68,416,447, G>A. VCF-style: chr11-68416447-G-A. GRCh37 (hg19) VCF-style: chr11-68183915-G-A.
Other names: c.1204G>A, p.Asp402Asn (NM_001291902.2); short protein forms D402N, D983N.
Identifiers: ClinVar variation 1476923 (VCV001476923.8), dbSNP rs776844865, ClinGen allele CA6149794.